The following is an entry in ClinVar:

NM_004408.4(DNM1):c.236-2A>C

Genes: DNM1 (dynamin 1; plus strand), LOC113839516 (Sharpr-MPRA regulatory region 8497; plus strand). Cytogenetic location: 9q34.11.
Variant type: single nucleotide variant.
Coding change: c.236-2A>C on transcript NM_004408.4 (MANE Select); the canonical splice acceptor site of the intron before coding-DNA position 236, A replaced by C.
Molecular consequence: splice acceptor variant.
Genome position (GRCh38, 1-based): chr9:128,218,580, A>C. VCF-style: chr9-128218580-A-C. GRCh37 (hg19) VCF-style: chr9-130980859-A-C.
Other names: c.236-2A>C (NM_001005336.3, NM_001374269.1, NM_001288738.2 and 2 more transcripts).
Identifiers: ClinVar variation 2854004 (VCV002854004.3), dbSNP rs2538976259, ClinGen allele CA375010348.

ClinVar aggregate classification (germline): Likely pathogenic (1 of 4 stars; one submission).

Conditions:
Developmental and epileptic encephalopathy, 31A. Also called: Epileptic encephalopathy, early infantile, 31; Developmental and epileptic encephalopathy, 31. Identifiers: Orphanet 2382, MedGen C4225357, MONDO:0014598, OMIM 616346.

Submission:

Labcorp Genetics (formerly Invitae), Labcorp
Classification: Likely pathogenic for Developmental and epileptic encephalopathy, 31A. Last evaluated: 2023-08-18. Review status: criteria provided, single submitter. Criteria: Invitae Variant Classification Sherloc (09022015). Collection method: clinical testing. Allele origin: germline.
Comment: This sequence change affects an acceptor splice site in intron 2 of the DNM1 gene. It is expected to disrupt RNA splicing. Variants that disrupt the donor or acceptor splice site typically lead to a loss of protein function (PMID: 16199547), and loss-of-function variants in DNM1 are known to be pathogenic (PMID: 34172529). In summary, the currently available evidence indicates that the variant is pathogenic, but additional data are needed to prove that conclusively. Therefore, this variant has been classified as Likely Pathogenic. Algorithms developed to predict the effect of sequence changes on RNA splicing suggest that this variant may disrupt the consensus splice site. This variant has not been reported in the literature in individuals affected with DNM1-related conditions. This variant is not present in population databases (gnomAD no frequency).

Literature cited by the submitters: PubMed 16199547; PubMed 34172529.